The following is an entry in ClinVar:

ClinVar aggregate classification (germline): Uncertain significance (1 of 4 stars; one submission).

Submission:

Labcorp Genetics (formerly Invitae), Labcorp
Classification: Uncertain significance. Last evaluated: 2021-10-06. Review status: criteria provided, single submitter. Criteria: Invitae Variant Classification Sherloc (09022015). Collection method: clinical testing. Allele origin: germline.
Comment: In summary, the available evidence is currently insufficient to determine the role of this variant in disease. Therefore, it has been classified as a Variant of Uncertain Significance. This variant has not been reported in the literature in individuals with LIG1-related conditions. This variant is not present in population databases (ExAC no frequency). This sequence change creates a premature translational stop signal (p.Phe9Serfs*31) in the LIG1 gene. It is expected to result in an absent or disrupted protein product. However, the current clinical and genetic evidence is not sufficient to establish whether loss-of-function variants in LIG1 cause disease.

NM_000234.3(LIG1):c.26del (p.Phe9fs)

Gene: LIG1 (DNA ligase 1; minus strand). Cytogenetic location: 19q13.33.
Variant type: Deletion.
Coding change: c.26del on transcript NM_000234.3 (MANE Select); coding-DNA position 26, one base deleted (T; older notation c.26delT).
Protein change: p.Phe9fs; shifts the reading frame from phenylalanine 9.
Molecular consequence: frameshift variant. On other transcripts: non-coding transcript variant (2), intron variant (2).
Genome position (GRCh38, 1-based): chr19:48,162,343, A deleted on the plus strand (T on the coding strand, the reverse complement: LIG1 is on the minus strand); the first of 5 consecutive A bases (chr19:48,162,343-48,162,347); deleting any one gives the same sequence. VCF-style (leftmost placement, unchanged base first): chr19-48162342-GA-G. GRCh37 (hg19) VCF-style: chr19-48665599-GA-G.
Other names: c.26del, p.Phe9fs (NM_001289064.2, NM_001320970.2); c.18-836del (NM_001289063.2, NM_001320971.2); short protein forms F9fs.
Identifiers: ClinVar variation 1520156 (VCV001520156.6), dbSNP rs1165089530, ClinGen allele CA633561853.
Genomic context (GRCh38, chr19:48,162,342, plus strand): 5'-TCTGCTGCTATTGGATGCCTCCTTCTCAGGCTTCTTTGCTTTACCCTCTTTCTTGGGGTG[GA>G]AAAATGACCTAGAGGAGCATAAAAGGGGGTAAAAAAAGGAGAATAACAGCACCAATACCC-3'